The following is an entry in ClinVar:

NM_152490.5(B3GALNT2):c.843A>G (p.Glu281=)

Gene: B3GALNT2 (beta-1,3-N-acetylgalactosaminyltransferase 2; minus strand). Cytogenetic location: 1q42.3.
Variant type: single nucleotide variant.
Coding change: c.843A>G on transcript NM_152490.5 (MANE Select); coding-DNA position 843, A replaced by G.
Protein change: p.Glu281=; no amino-acid change (glutamic acid 281 retained).
Molecular consequence: synonymous variant.
Genome position (GRCh38, 1-based): chr1:235,458,785, T>C on the plus strand (A>G on the coding strand, the complement: B3GALNT2 is on the minus strand). VCF-style: chr1-235458785-T-C. GRCh37 (hg19) VCF-style: chr1-235622093-T-C.
Identifiers: ClinVar variation 382930 (VCV000382930.10), dbSNP rs543981282, ClinGen allele CA1464755.

ClinVar aggregate classification (germline): Conflicting classifications of pathogenicity. Review status: criteria provided, conflicting classifications (1 of 4 stars). 2 submissions from 2 submitters: Uncertain significance (1); Likely benign (1). Last evaluated 2025-12-01.

Conditions:
Muscular dystrophy-dystroglycanopathy (congenital with brain and eye anomalies), type a, 11 (MDDGA11). Also called: Congenital muscular dystrophy-dystroglycanopathy with brain and eye anomalies, type A11; Muscular dystrophy-dystroglycanopathy (congenital with brain and eye anomalies, type A, 11; WALKER-WARBURG SYNDROME OR MUSCLE-EYE-BRAIN DISEASE, B3GALNT2-RELATED. Identifiers: Orphanet 588, Orphanet 899, MedGen C3554638, MONDO:0014071, OMIM 615181.

Allele frequency attached by ClinVar (database versions not stated): gnomAD exomes 0.00004 and 0.00011; ExAC 0.00014; 1000 Genomes Project 30x 0.00016; 1000 Genomes Project 0.00020.
gnomAD v4.1: 65 of 1,577,650 alleles (0.0041%); highest among the groups gnomAD compares: South Asian, 0.071%; no homozygotes.

Submissions (2):

Labcorp Genetics (formerly Invitae), Labcorp
Classification: Likely benign for Muscular dystrophy-dystroglycanopathy (congenital with brain and eye anomalies), type a, 11. Last evaluated: 2025-12-01. Review status: criteria provided, single submitter. Criteria: Invitae Variant Classification Sherloc (09022015). Collection method: clinical testing. Allele origin: germline.

GeneDx
Classification: Uncertain significance. Last evaluated: 2023-12-11. Review status: criteria provided, single submitter. Criteria: GeneDx Variant Classification Process June 2021. Collection method: clinical testing. Allele origin: germline. Affected: yes.
Comment: Has not been previously published as pathogenic or benign to our knowledge; In silico analysis is inconclusive as to whether the variant alters gene splicing. In the absence of RNA/functional studies, the actual effect of this sequence change is unknown.